The following is an entry in ClinVar:

ClinVar aggregate classification (germline): Uncertain significance (1 of 4 stars; one submission).

Conditions:
TECTA-related disorder. Also called: TECTA-related condition.

gnomAD v4.1: 3 of 1,611,338 alleles (0.00019%); highest among the groups gnomAD compares: Non-Finnish European, 0.00025%; no homozygotes.

Submission:

PreventionGenetics, part of Exact Sciences
Classification: Uncertain significance for TECTA-related condition. Last evaluated: 2025-03-11. Review status: criteria provided, single submitter. Criteria: ACMG Guidelines, 2015. Collection method: clinical testing. Allele origin: germline.
Comment: The TECTA c.1616C>T variant is predicted to result in the amino acid substitution p.Thr539Ile. To our knowledge, this variant has not been reported in the literature or in a large population database (gnomAD), indicating this variant is rare. At this time, the clinical significance of this variant is uncertain due to the absence of conclusive functional and genetic evidence.

NM_005422.4(TECTA):c.1616C>T (p.Thr539Ile)

Genes: TBCEL-TECTA (TBCEL-TECTA readthrough; plus strand), TECTA (tectorin alpha; plus strand). Cytogenetic location: 11q23.3.
Variant type: single nucleotide variant.
Coding change: c.1616C>T on transcript NM_005422.4 (MANE Select); coding-DNA position 1616, C replaced by T.
Protein change: p.Thr539Ile; replaces threonine 539 with isoleucine.
Molecular consequence: missense variant.
Genome position (GRCh38, 1-based): chr11:121,125,714, C>T. VCF-style: chr11-121125714-C-T. GRCh37 (hg19) VCF-style: chr11-120996423-C-T.
Other names: c.2573C>T, p.Thr858Ile (NM_001378761.1); short protein forms T539I, T858I.
Identifiers: ClinVar variation 5002144 (VCV005002144.1).
Genomic context (GRCh38, chr11:121,125,714, plus strand): 5'-TTGGCTCTGACTACTGCGGCTTCCTCAACAAGACAGACGGCCCTCTGTGGGAGTGTGGCA[C>T]TGTCGTGGACCCCACTGCTTTTGTGCACAGCTGCGTGTATGACCTGTGCAGTGTGAGGGA-3'
Protein context (NP_005413.2, residues 529-549): KTDGPLWECG[Thr539Ile]VVDPTAFVHS